The following is an entry in ClinVar:

NM_000368.5(TSC1):c.2209-2A>G

Gene: TSC1 (TSC complex subunit 1; minus strand). Cytogenetic location: 9q34.13.
Variant type: single nucleotide variant.
Coding change: c.2209-2A>G on transcript NM_000368.5 (MANE Select); the canonical splice acceptor site of the intron before coding-DNA position 2209, A replaced by G.
Molecular consequence: splice acceptor variant.
Genome position (GRCh38, 1-based): chr9:132,902,789, T>C on the plus strand (A>G on the coding strand, the complement: TSC1 is on the minus strand). VCF-style: chr9-132902789-T-C. GRCh37 (hg19) VCF-style: chr9-135778176-T-C.
Other names: c.1843-2A>G (NM_001406620.1, NM_001406625.1, NM_001406621.1 and 2 more transcripts); c.1846-2A>G (NM_001406618.1, NM_001406617.1, NM_001406619.1 and 5 more transcripts); c.2053-2A>G (NM_001406613.1, NM_001406612.1, NM_001406611.1); c.2056-2A>G (NM_001406610.1, NM_001162427.2); c.1255-2A>G (NM_001406627.1, NM_001406628.1); c.1156-2A>G (NM_001406629.1, NM_001406630.1); c.2191-2A>G (NM_001406603.1, NM_001406604.1); c.2206-2A>G (NM_001406609.1, NM_001406597.1, NM_001406600.1 and 4 more transcripts); and 3 more.
Identifiers: ClinVar variation 1787726 (VCV001787726.5), dbSNP rs2131742187, ClinGen allele CA375360172.

ClinVar aggregate classification (germline): Conflicting classifications of pathogenicity. Review status: criteria provided, conflicting classifications (1 of 4 stars). 2 submissions from 2 submitters: Likely pathogenic (1); Uncertain significance (1). Last evaluated 2026-03-26.

Conditions:
Hereditary cancer-predisposing syndrome. Also called: Neoplastic Syndromes, Hereditary; Tumor predisposition; Hereditary Cancer Syndrome; Hereditary neoplastic syndrome. Identifiers: Orphanet 140162, MedGen C0027672, MeSH D009386, MONDO:0015356.
Tuberous sclerosis 1 (TSC1). Identifiers: Orphanet 805, MedGen C1854465, MONDO:0008612, OMIM 191100.

Submissions (2):

Ambry Genetics
Classification: Uncertain significance for Hereditary cancer-predisposing syndrome. Last evaluated: 2026-03-26. Review status: criteria provided, single submitter. Criteria: Ambry Variant Classification Scheme 2023. Collection method: clinical testing. Allele origin: germline.
Comment: The c.2209-2A>G intronic variant results from an A to G substitution two nucleotides upstream from coding exon 16 in the TSC1 gene. Variants that disrupt the canonical splice site are expected to result in aberrant splicing. In silico splice site analysis predicts that this alteration will weaken the native splice acceptor site and will result in the creation or strengthening of a novel splice acceptor site. RNA studies have demonstrated that this variant results in a splice defect; the clinical impact of this abnormal splicing is unknown at this time (Ambry internal data). This nucleotide position is highly conserved in available vertebrate species. Based on the available evidence, the clinical significance of this variant remains unclear.

Labcorp Genetics (formerly Invitae), Labcorp
Classification: Likely pathogenic for Tuberous sclerosis 1. Last evaluated: 2024-07-01. Review status: criteria provided, single submitter. Criteria: Invitae Variant Classification Sherloc (09022015). Collection method: clinical testing. Allele origin: germline.
Comment: This sequence change affects an acceptor splice site in intron 17 of the TSC1 gene. It is expected to disrupt RNA splicing. Variants that disrupt the donor or acceptor splice site typically lead to a loss of protein function (PMID: 16199547), and loss-of-function variants in TSC1 are known to be pathogenic (PMID: 10227394, 17304050). This variant is not present in population databases (gnomAD no frequency). This variant has not been reported in the literature in individuals affected with TSC1-related conditions. ClinVar contains an entry for this variant (Variation ID: 1787726). Algorithms developed to predict the effect of sequence changes on RNA splicing suggest that this variant may disrupt the consensus splice site. In summary, the currently available evidence indicates that the variant is pathogenic, but additional data are needed to prove that conclusively. Therefore, this variant has been classified as Likely Pathogenic.

Literature cited by the submitters: PubMed 16199547 (cited by Labcorp Genetics (formerly Invitae), Labcorp); PubMed 10227394 (cited by Labcorp Genetics (formerly Invitae), Labcorp); PubMed 17304050 (cited by Labcorp Genetics (formerly Invitae), Labcorp).